The following is an entry in ClinVar:

ClinVar aggregate classification (germline): Conflicting classifications of pathogenicity. Review status: criteria provided, conflicting classifications (1 of 4 stars). 2 submissions from 2 submitters: Uncertain significance (1); Likely benign (1). Last evaluated 2025-11-26.

Allele frequency attached by ClinVar (database versions not stated): 1000 Genomes Project 0.00080; gnomAD 0.00120; TOPMed 0.00121; ExAC 0.00128; ESP Exome Variant Server 0.00023; gnomAD exomes 0.00025; 1000 Genomes Project 30x 0.00078.
gnomAD v4.1: 564 of 1,608,204 alleles (0.035%); highest among the groups gnomAD compares: African/African-American, 0.38%; 3 homozygotes.

Submissions (2):

Ambry Genetics
Classification: Uncertain significance. Last evaluated: 2025-11-26. Review status: criteria provided, single submitter. Criteria: Ambry Variant Classification Scheme 2023. Collection method: clinical testing. Allele origin: germline.

CeGaT Center for Human Genetics Tuebingen
Classification: Likely benign. Last evaluated: 2023-01-01. Review status: criteria provided, single submitter. Criteria: CeGaT Center For Human Genetics Tuebingen Variant Classification Criteria Version 2. Collection method: clinical testing. Allele origin: germline. Affected: yes. Observed: 1 variant allele.
Comment: WASHC2C: BP4

NM_001330074.2(WASHC2C):c.2885C>T (p.Ala962Val)

Gene: WASHC2C (WASH complex subunit 2C; plus strand). Cytogenetic location: 10q11.22.
Variant type: single nucleotide variant.
Coding change: c.2885C>T on transcript NM_001330074.2 (MANE Select); coding-DNA position 2885, C replaced by T.
Protein change: p.Ala962Val; replaces alanine 962 with valine.
Molecular consequence: missense variant. On other transcripts: non-coding transcript variant (1), intron variant (1).
Genome position (GRCh38, 1-based): chr10:45,787,045, C>T. VCF-style: chr10-45787045-C-T. GRCh37 (hg19) VCF-style: chr10-46282493-C-T.
Other names: c.2243C>T, p.Ala748Val (NM_001367405.1, NM_001367407.1, NM_001367414.1 and 1 more transcripts); c.995C>T, p.Ala332Val (NM_001367406.1); c.2669C>T, p.Ala890Val (NM_001367408.1); c.2561C>T, p.Ala854Val (NM_001367409.1); c.2558C>T, p.Ala853Val (NM_001367410.1); c.2624C>T, p.Ala875Val (NM_001367411.1); c.2306C>T, p.Ala769Val (NM_001367412.1); c.2366C>T, p.Ala789Val (NM_001367413.1); and 17 more; short protein forms A332V, A745V, A748V, A769V, A785V, A789V, A849V, A853V.
Identifiers: ClinVar variation 2640429 (VCV002640429.24), dbSNP rs374655951, ClinGen allele CA5483303.